The following is an entry in ClinVar:

NM_001127208.3(TET2):c.4946A>C (p.Tyr1649Ser)

Genes: TET2 (tet methylcytosine dioxygenase 2; plus strand), TET2-AS1 (TET2 antisense RNA 1; minus strand). Cytogenetic location: 4q24.
Variant type: single nucleotide variant.
Coding change: c.4946A>C on transcript NM_001127208.3 (MANE Select); coding-DNA position 4946, A replaced by C.
Protein change: p.Tyr1649Ser; replaces tyrosine 1649 with serine.
Molecular consequence: missense variant.
Genome position (GRCh38, 1-based): chr4:105,275,456, A>C. VCF-style: chr4-105275456-A-C. GRCh37 (hg19) VCF-style: chr4-106196613-A-C.
Other names: p.Tyr1649Ser; short protein forms Y1649S.
Identifiers: ClinVar variation 3379554 (VCV003379554.1).

ClinVar aggregate classification (germline): Uncertain significance (1 of 4 stars; one submission).

gnomAD v4.1: 10 of 1,551,626 alleles (0.00064%); highest among the groups gnomAD compares: East Asian, 0.02%; no homozygotes.

Submission:

Mayo Clinic Laboratories, Mayo Clinic
Classification: Uncertain significance. Last evaluated: 2024-04-24. Review status: criteria provided, single submitter. Criteria: ACMG Guidelines, 2015. Collection method: clinical testing. Allele origin: germline. Observed: 1 variant allele.
Comment: BP4, PM2